The following is an entry in ClinVar:

NM_002485.5(NBN):c.2236T>G (p.Tyr746Asp)

Gene: NBN (nibrin; minus strand). Cytogenetic location: 8q21.3.
Variant type: single nucleotide variant.
Coding change: c.2236T>G on transcript NM_002485.5 (MANE Select); coding-DNA position 2236, T replaced by G.
Protein change: p.Tyr746Asp; replaces tyrosine 746 with aspartic acid.
Molecular consequence: missense variant.
Genome position (GRCh38, 1-based): chr8:89,935,611, A>C on the plus strand (T>G on the coding strand, the complement: NBN is on the minus strand). VCF-style: chr8-89935611-A-C. GRCh37 (hg19) VCF-style: chr8-90947839-A-C.
Other names: c.1990T>G, p.Tyr664Asp (NM_001024688.3); short protein forms Y746D, Y664D.
Identifiers: ClinVar variation 1788201 (VCV001788201.3), dbSNP rs2488163525, ClinGen allele CA371674721.

ClinVar aggregate classification (germline): Uncertain significance (1 of 4 stars; one submission).

Conditions:
Hereditary cancer-predisposing syndrome. Also called: Neoplastic Syndromes, Hereditary; Tumor predisposition; Hereditary Cancer Syndrome; Hereditary neoplastic syndrome. Identifiers: Orphanet 140162, MedGen C0027672, MeSH D009386, MONDO:0015356.

Submission:

Ambry Genetics
Classification: Uncertain significance for Hereditary cancer-predisposing syndrome. Last evaluated: 2023-09-06. Review status: criteria provided, single submitter. Criteria: Ambry Variant Classification Scheme 2023. Collection method: clinical testing. Allele origin: germline.
Comment: The p.Y746D variant (also known as c.2236T>G), located in coding exon 16 of the NBN gene, results from a T to G substitution at nucleotide position 2236. The tyrosine at codon 746 is replaced by aspartic acid, an amino acid with highly dissimilar properties. This amino acid position is highly conserved in available vertebrate species. In addition, the in silico prediction for this alteration is inconclusive. Since supporting evidence is limited at this time, the clinical significance of this alteration remains unclear.